The following is an entry in ClinVar:

NM_007294.4(BRCA1):c.4333C>A (p.Pro1445Thr)

Gene: BRCA1 (BRCA1 DNA repair associated; minus strand). Cytogenetic location: 17q21.31.
Variant type: single nucleotide variant.
Coding change: c.4333C>A on transcript NM_007294.4 (MANE Select); coding-DNA position 4333, C replaced by A.
Protein change: p.Pro1445Thr; replaces proline 1445 with threonine.
Molecular consequence: missense variant. On other transcripts: non-coding transcript variant (1).
Genome position (GRCh38, 1-based): chr17:43,082,428, G>T on the plus strand (C>A on the coding strand, the complement: BRCA1 is on the minus strand). VCF-style: chr17-43082428-G-T. GRCh37 (hg19) VCF-style: chr17-41234445-G-T.
Other names: c.943C>A, p.Pro315Thr (NM_001408416.1, NM_001408413.1); c.907C>A, p.Pro303Thr (NM_001408418.1, NM_001408419.1, NM_001408420.1 and 2 more transcripts); c.904C>A, p.Pro302Thr (NM_001408421.1, NM_001408424.1, NM_001408431.1); c.901C>A, p.Pro301Thr (NM_001408425.1, NM_001408426.1, NM_001408427.1 and 8 more transcripts); c.898C>A, p.Pro300Thr (NM_001408432.1, NM_001408433.1, NM_001408434.1 and 10 more transcripts); c.889C>A, p.Pro297Thr (NM_001408451.1); c.883C>A, p.Pro295Thr (NM_001408452.1, NM_001408453.1, NM_001408454.1 and 8 more transcripts); c.880C>A, p.Pro294Thr (NM_001408462.1, NM_001408463.1, NM_001408464.1 and 5 more transcripts); and 51 more; short protein forms P1445T, P1398T, P342T, P1149T, P1357T, P1444T, P174T, P214T.
Identifiers: ClinVar variation 233854 (VCV000233854.25), dbSNP rs876660684, ClinGen allele CA10580524.

ClinVar aggregate classification (germline): Uncertain significance. Review status: criteria provided, multiple submitters, no conflicts (2 of 4 stars). 8 submissions from 8 submitters: Uncertain significance (8). Last evaluated 2025-12-29.

Conditions:
Breast-ovarian cancer, familial, susceptibility to, 1 (BROVCA1). Also called: BRCA1 Hereditary Breast and Ovarian Cancer; OVARIAN CANCER, SUSCEPTIBILITY TO. Identifiers: Orphanet 145, MedGen C2676676, MONDO:0011450, OMIM 604370. Disease mechanism: loss of function.
Hereditary breast ovarian cancer syndrome. Also called: Breast and ovarian cancer; Hereditary breast and ovarian cancer; Hereditary breast and ovarian cancer syndrome; Hereditary breast and/or ovarian cancer syndrome; BRCA1- and BRCA2-Associated Hereditary Breast and Ovarian Cancer; Hereditary breast and ovarian cancer syndrome (HBOC). Identifiers: Orphanet 145, MedGen C0677776, MeSH D061325, MONDO:0003582. Disease mechanism: loss of function.
Pancreatic cancer, susceptibility to, 4. Identifiers: Orphanet 1333, MedGen C3280442, MONDO:0013685, OMIM 614320.
Familial cancer of breast. Also called: BREAST CANCER, FAMILIAL; hereditary breast carcinoma; Hereditary breast cancer. Identifiers: Orphanet 227535, MedGen C0346153, MONDO:0016419, OMIM 114480. Disease mechanism: loss of function.
Fanconi anemia, complementation group S (FANCS). Identifiers: MedGen C4554406, MONDO:0054748, OMIM 617883.
Hereditary cancer-predisposing syndrome. Also called: Tumor predisposition; Hereditary Cancer Syndrome; Neoplastic Syndromes, Hereditary; Hereditary neoplastic syndrome. Identifiers: Orphanet 140162, MedGen C0027672, MeSH D009386, MONDO:0015356.

Allele frequency attached by ClinVar (database versions not stated): gnomAD exomes below 0.00001 and 0.00001; TOPMed 0.00001.
gnomAD v4.1: 3 of 1,614,102 alleles (0.00019%); highest among the groups gnomAD compares: Non-Finnish European, 0.00025%; no homozygotes.

Submissions (8):

Labcorp Genetics (formerly Invitae), Labcorp
Classification: Uncertain significance for Hereditary breast ovarian cancer syndrome. Last evaluated: 2025-12-29. Review status: criteria provided, single submitter. Criteria: Invitae Variant Classification Sherloc (09022015). Collection method: clinical testing. Allele origin: germline.
Comment: This sequence change replaces proline, which is neutral and non-polar, with threonine, which is neutral and polar, at codon 1445 of the BRCA1 protein (p.Pro1445Thr). This variant is present in population databases (no rsID available, gnomAD 0.0009%). This variant has not been reported in the literature in individuals affected with BRCA1-related conditions. ClinVar contains an entry for this variant (Variation ID: 233854). Invitae Evidence Modeling of protein sequence and biophysical properties (such as structural, functional, and spatial information, amino acid conservation, physicochemical variation, residue mobility, and thermodynamic stability) indicates that this missense variant is not expected to disrupt BRCA1 protein function with a negative predictive value of 80%. In summary, the available evidence is currently insufficient to determine the role of this variant in disease. Therefore, it has been classified as a Variant of Uncertain Significance.

Ambry Genetics
Classification: Uncertain significance for Hereditary cancer-predisposing syndrome. Last evaluated: 2025-09-16. Review status: criteria provided, single submitter. Criteria: Ambry Variant Classification Scheme 2023. Collection method: clinical testing. Allele origin: germline.
Comment: The p.P1445T variant (also known as c.4333C>A), located in coding exon 11 of the BRCA1 gene, results from a C to A substitution at nucleotide position 4333. The proline at codon 1445 is replaced by threonine, an amino acid with highly similar properties. This amino acid position is poorly conserved in available vertebrate species. In addition, this alteration is predicted to be tolerated by in silico analysis. Since supporting evidence is limited at this time, the clinical significance of this alteration remains unclear.

Color Diagnostics, LLC DBA Color Health
Classification: Uncertain significance for Hereditary cancer-predisposing syndrome. Last evaluated: 2025-04-01. Review status: criteria provided, single submitter. Criteria: ACMG Guidelines, 2015. Collection method: clinical testing. Allele origin: germline.
Comment: This missense variant replaces proline with threonine at codon 1445 of the BRCA1 protein. Computational prediction suggests that this variant may not impact protein structure and function. To our knowledge, functional studies have not been reported for this variant. This variant has not been reported in individuals affected with BRCA1-related disorders in the literature. This variant has been identified in 1/251364 chromosomes in the general population by the Genome Aggregation Database (gnomAD). The available evidence is insufficient to determine the role of this variant in disease conclusively. Therefore, this variant is classified as a Variant of Uncertain Significance.

Quest Diagnostics Nichols Institute San Juan Capistrano
Classification: Uncertain significance. Last evaluated: 2024-05-03. Review status: criteria provided, single submitter. Criteria: Quest Diagnostics criteria. Collection method: clinical testing. Allele origin: unknown.
Comment: The BRCA1 c.4333C>A (p.Pro1445Thr) variant has not been reported in individuals with BRCA1-related conditions in the published literature. The frequency of this variant in the general population, 0.000004 (1/251364 chromosomes (Genome Aggregation Database)), is uninformative in the assessment of its pathogenicity. Analysis of this variant using bioinformatics tools for the prediction of the effect of amino acid changes on protein structure and function yielded predictions that this variant is benign. Based on the available information, we are unable to determine the clinical significance of this variant.

GeneDx
Classification: Uncertain significance. Last evaluated: 2023-09-13. Review status: criteria provided, single submitter. Criteria: GeneDx Variant Classification Process June 2021. Collection method: clinical testing. Allele origin: germline. Affected: yes.
Comment: Not observed at significant frequency in large population cohorts (gnomAD); In silico analysis supports that this missense variant does not alter protein structure/function; Has not been previously published as pathogenic or benign to our knowledge; Also known as 4452C>A; This variant is associated with the following publications: (PMID: 29884841, 32377563, 15343273, 22737296)

All of Us Research Program, National Institutes of Health
Classification: Uncertain significance for Breast-ovarian cancer, familial, susceptibility to, 1. Last evaluated: 2023-06-15. Review status: criteria provided, single submitter. Criteria: ACMG Guidelines, 2015. Collection method: clinical testing. Allele origin: germline. Inheritance: Autosomal dominant inheritance. Observed: 1 variant allele, 1 heterozygote.
Comment: This missense variant replaces proline with threonine at codon 1445 of the BRCA1 protein. Computational prediction suggests that this variant may not impact protein structure and function (internally defined REVEL score threshold <= 0.5, PMID: 27666373). To our knowledge, functional studies have not been reported for this variant. This variant has not been reported in individuals affected with hereditary cancer in the literature. This variant has been identified in 1/251364 chromosomes in the general population by the Genome Aggregation Database (gnomAD). The available evidence is insufficient to determine the role of this variant in disease conclusively. Therefore, this variant is classified as a Variant of Uncertain Significance.

This study involves interpretation of variants in research participants for the purpose of population health screening. Participant phenotype was not available at the time of variant classification. Additional details can be found in publication PMID: 35346344, PMCID: PMC8962531

Fulgent Genetics
Classification: Uncertain significance for Familial cancer of breast; Breast-ovarian cancer, familial, susceptibility to, 1; Pancreatic cancer, susceptibility to, 4; Fanconi anemia, complementation group S. Last evaluated: 2021-11-09. Review status: criteria provided, single submitter. Criteria: ACMG Guidelines, 2015. Collection method: clinical testing. Allele origin: unknown.

Women's Health and Genetics/Laboratory Corporation of America, LabCorp
Classification: Uncertain significance. Last evaluated: 2018-07-09. Review status: criteria provided, single submitter. Criteria: LabCorp Variant Classification Summary - May 2015. Collection method: clinical testing. Allele origin: germline.
Comment: Variant summary: BRCA1 c.4333C>A (p.Pro1445Thr) results in a non-conservative amino acid change in the encoded protein sequence. Four of five in-silico tools predict a benign effect of the variant on protein function. The variant allele was found at a frequency of 4.1e-06 in 246144 control chromosomes (gnomAD). The available data on variant occurrences in the general population are insufficient to allow any conclusion about variant significance. To our knowledge, no occurrence of c.4333C>A in individuals affected with Hereditary Breast and Ovarian Cancer and no experimental evidence demonstrating its impact on protein function have been reported. Two ClinVar submissions from a clinical diagnostic laboratories (evaluation after 2014) cite the variant as "uncertain significance." Based on the evidence outlined above, the variant was classified as uncertain significance.